The following is an entry in ClinVar:

NM_003680.4(YARS1):c.135G>A (p.Thr45=)

Gene: YARS1 (tyrosyl-tRNA synthetase 1; minus strand). Cytogenetic location: 1p35.1.
Variant type: single nucleotide variant.
Coding change: c.135G>A on transcript NM_003680.4 (MANE Select); coding-DNA position 135, G replaced by A.
Protein change: p.Thr45=; no amino-acid change (threonine 45 retained).
Molecular consequence: synonymous variant.
Genome position (GRCh38, 1-based): chr1:32,810,980, C>T on the plus strand (G>A on the coding strand, the complement: YARS1 is on the minus strand). VCF-style: chr1-32810980-C-T. GRCh37 (hg19) VCF-style: chr1-33276581-C-T.
Identifiers: ClinVar variation 873840 (VCV000873840.12), dbSNP rs549109061, ClinGen allele CA745276.

ClinVar aggregate classification (germline): Benign. Review status: criteria provided, multiple submitters, no conflicts (2 of 4 stars). 2 submissions from 2 submitters: Benign (2). Last evaluated 2025-12-31.

Conditions:
Charcot-Marie-Tooth disease dominant intermediate C (CMTDIC). Also called: CHARCOT-MARIE-TOOTH NEUROPATHY, DOMINANT INTERMEDIATE C. Identifiers: Orphanet 100045, MedGen C1842237, MONDO:0012012, OMIM 608323.

Allele frequency attached by ClinVar (database versions not stated): TOPMed 0.00001; ExAC 0.00027; 1000 Genomes Project 30x 0.00062; 1000 Genomes Project 0.00080.
gnomAD v4.1: 158 of 1,614,142 alleles (0.0098%); highest among the groups gnomAD compares: South Asian, 0.16%; 4 homozygotes.

Submissions (2):

Labcorp Genetics (formerly Invitae), Labcorp
Classification: Benign for Charcot-Marie-Tooth disease dominant intermediate C. Last evaluated: 2025-12-31. Review status: criteria provided, single submitter. Criteria: Invitae Variant Classification Sherloc (09022015). Collection method: clinical testing. Allele origin: germline.

Illumina Laboratory Services, Illumina
Classification: Benign for Charcot-Marie-Tooth disease dominant intermediate C. Last evaluated: 2018-01-13. Review status: criteria provided, single submitter. Criteria: ICSL Variant Classification Criteria 13 December 2019. Collection method: clinical testing. Allele origin: germline.
Comment: This variant was observed in the ICSL laboratory as part of a predisposition screen in an ostensibly healthy population. It had not been previously curated by ICSL or reported in the Human Gene Mutation Database (HGMD: prior to June 1st, 2018), and was therefore a candidate for classification through an automated scoring system. Utilizing variant allele frequency, disease prevalence and penetrance estimates, and inheritance mode, an automated score was calculated to assess if this variant is too frequent to cause the disease. Based on the score and internal cut-off values, a variant classified as benign is not then subjected to further curation. The score for this variant resulted in a classification of benign for this disease.